The following is an entry in ClinVar:

NM_001378030.1(CCDC78):c.344T>C (p.Val115Ala)

Gene: CCDC78 (coiled-coil domain containing 78; minus strand). Cytogenetic location: 16p13.3.
Variant type: single nucleotide variant.
Coding change: c.344T>C on transcript NM_001378030.1 (MANE Select); coding-DNA position 344, T replaced by C.
Protein change: p.Val115Ala; replaces valine 115 with alanine.
Molecular consequence: missense variant. On other transcripts: non-coding transcript variant (5), intron variant (1).
Genome position (GRCh38, 1-based): chr16:725,504, A>G on the plus strand (T>C on the coding strand, the complement: CCDC78 is on the minus strand). VCF-style: chr16-725504-A-G. GRCh37 (hg19) VCF-style: chr16-775504-A-G.
Other names: c.344T>C, p.Val115Ala (NM_001031737.3, NM_001378031.1); c.-18-211T>C (NM_001378033.1); short protein forms V115A.
Identifiers: ClinVar variation 1403611 (VCV001403611.8), dbSNP rs779855089, ClinGen allele CA7789643.

ClinVar aggregate classification (germline): Uncertain significance (1 of 4 stars; one submission).

Conditions:
Congenital myopathy with internal nuclei and atypical cores. Also called: Myopathy, centronuclear, 4. Identifiers: Orphanet 319160, MedGen C4707232, MONDO:0013890, OMIM 614807.

Allele frequency attached by ClinVar (database versions not stated): gnomAD exomes below 0.00001 and 0.00001; ExAC 0.00001; TOPMed 0.00001.

Submission:

Labcorp Genetics (formerly Invitae), Labcorp
Classification: Uncertain significance for Congenital myopathy with internal nuclei and atypical cores. Last evaluated: 2024-03-24. Review status: criteria provided, single submitter. Criteria: Invitae Variant Classification Sherloc (09022015). Collection method: clinical testing. Allele origin: germline.
Comment: This sequence change replaces valine, which is neutral and non-polar, with alanine, which is neutral and non-polar, at codon 115 of the CCDC78 protein (p.Val115Ala). This variant is present in population databases (rs779855089, gnomAD 0.006%). This variant has not been reported in the literature in individuals affected with CCDC78-related conditions. ClinVar contains an entry for this variant (Variation ID: 1403611). Advanced modeling of protein sequence and biophysical properties (such as structural, functional, and spatial information, amino acid conservation, physicochemical variation, residue mobility, and thermodynamic stability) performed at Invitae indicates that this missense variant is not expected to disrupt CCDC78 protein function with a negative predictive value of 80%. In summary, the available evidence is currently insufficient to determine the role of this variant in disease. Therefore, it has been classified as a Variant of Uncertain Significance.